The following is an entry in ClinVar:

NM_000257.4(MYH7):c.2437G>A (p.Val813Ile)

Genes: MYH7 (myosin heavy chain 7; minus strand), LOC126861898 (BRD4-independent group 4 enhancer GRCh37_chr14:23893609-23894808; plus strand). Cytogenetic location: 14q11.2.
Variant type: single nucleotide variant.
Coding change: c.2437G>A on transcript NM_000257.4 (MANE Select); coding-DNA position 2437, G replaced by A.
Protein change: p.Val813Ile; replaces valine 813 with isoleucine.
Molecular consequence: missense variant.
Genome position (GRCh38, 1-based): chr14:23,425,011, C>T on the plus strand (G>A on the coding strand, the complement: MYH7 is on the minus strand). VCF-style: chr14-23425011-C-T. GRCh37 (hg19) VCF-style: chr14-23894220-C-T.
Other names: c.2437G>A, p.Val813Ile (NM_001407004.1); short protein forms V813I.
Identifiers: ClinVar variation 2808486 (VCV002808486.4), dbSNP rs1555337771, ClinGen allele CA389048415.

ClinVar aggregate classification (germline): Uncertain significance. Review status: criteria provided, multiple submitters, no conflicts (2 of 4 stars). 2 submissions from 2 submitters: Uncertain significance (2). Last evaluated 2023-11-14.

Conditions:
Cardiomyopathy (CMYO). Also called: Cardiomyopathies. Identifiers: Orphanet 167848, MedGen C0878544, MONDO:0004994, HP:0001638. Inheritance: Various modes of inheritance.
Hypertrophic cardiomyopathy. Also called: HYPERTROPHIC MYOCARDIOPATHY. Identifiers: Orphanet 217569, MedGen C0007194, MeSH D002312, MONDO:0005045, HP:0001639.

Allele frequency attached by ClinVar (database versions not stated): gnomAD exomes below 0.00001.
gnomAD v4.1: 1 of 1,614,210 alleles (0.000062%); highest among the groups gnomAD compares: Non-Finnish European, 0.000085%; no homozygotes.

Submissions (2):

Labcorp Genetics (formerly Invitae), Labcorp
Classification: Uncertain significance for Hypertrophic cardiomyopathy. Last evaluated: 2023-11-14. Review status: criteria provided, single submitter. Criteria: Invitae Variant Classification Sherloc (09022015). Collection method: clinical testing. Allele origin: germline.
Comment: This sequence change replaces valine, which is neutral and non-polar, with isoleucine, which is neutral and non-polar, at codon 813 of the MYH7 protein (p.Val813Ile). This variant is not present in population databases (gnomAD no frequency). This missense change has been observed in individual(s) with hypertrophic cardiomyopathy (Invitae). Algorithms developed to predict the effect of missense changes on protein structure and function output the following: SIFT: "Not Available"; PolyPhen-2: "Benign"; Align-GVGD: "Not Available". The isoleucine amino acid residue is found in multiple mammalian species, which suggests that this missense change does not adversely affect protein function. In summary, the available evidence is currently insufficient to determine the role of this variant in disease. Therefore, it has been classified as a Variant of Uncertain Significance.

All of Us Research Program, National Institutes of Health
Classification: Uncertain significance for Cardiomyopathy. Last evaluated: 2023-02-24. Review status: criteria provided, single submitter. Criteria: ACMG Guidelines, 2015. Collection method: clinical testing. Allele origin: germline. Inheritance: Autosomal dominant inheritance. Observed: 1 variant allele, 1 heterozygote.
Comment: This missense variant replaces valine with isoleucine at codon 813 of the MYH7 protein. Computational prediction suggests that this variant may not impact protein structure and function (internally defined REVEL score threshold <= 0.5, PMID: 27666373). To our knowledge, functional studies have not been reported for this variant. This variant has not been reported in individuals affected with MYH7-related disorders in the literature. This variant has not been identified in the general population by the Genome Aggregation Database (gnomAD). The available evidence is insufficient to determine the role of this variant in disease conclusively. Therefore, this variant is classified as a Variant of Uncertain Significance.

This study involves interpretation of variants in research participants for the purpose of population health screening. Participant phenotype was not available at the time of variant classification. Additional details can be found in publication PMID: 35346344, PMCID: PMC8962531